The following is an entry in ClinVar:

ClinVar aggregate classification (germline): Uncertain significance. Review status: criteria provided, multiple submitters, no conflicts (2 of 4 stars). 2 submissions from 2 submitters: Uncertain significance (2). Last evaluated 2025-10-01.

Conditions:
FAT1-related disorder. Also called: FAT1-related condition.

Allele frequency attached by ClinVar (database versions not stated): TOPMed 0.00004; gnomAD exomes 0.00007; ExAC 0.00008; gnomAD 0.00008; ESP Exome Variant Server 0.00025.
gnomAD v4.1: 108 of 1,613,714 alleles (0.0067%); highest among the groups gnomAD compares: Non-Finnish European, 0.009%; no homozygotes.

Submissions (3):

PreventionGenetics, part of Exact Sciences
Classification: Uncertain significance for FAT1-related condition. Last evaluated: 2025-10-01. Review status: criteria provided, single submitter. Criteria: ACMG Guidelines, 2015. Collection method: clinical testing. Allele origin: germline.
Comment: The FAT1 c.10438A>G variant is predicted to result in the amino acid substitution p.Ile3480Val. To our knowledge, this variant has not been reported in the literature. This variant is reported in 0.015% of alleles in individuals of European (non-Finnish) descent in gnomAD. At this time, the clinical significance of this variant is uncertain due to the absence of conclusive functional and genetic evidence.

Labcorp Genetics (formerly Invitae), Labcorp
Classification: Uncertain significance. Last evaluated: 2022-10-26. Review status: criteria provided, single submitter. Criteria: Invitae Variant Classification Sherloc (09022015). Collection method: clinical testing. Allele origin: germline.
Comment: Algorithms developed to predict the effect of missense changes on protein structure and function output the following: SIFT: "Tolerated"; PolyPhen-2: "Benign"; Align-GVGD: "Class C0". The valine amino acid residue is found in multiple mammalian species, which suggests that this missense change does not adversely affect protein function. This variant has not been reported in the literature in individuals affected with FAT1-related conditions. This variant is present in population databases (rs201423674, gnomAD 0.01%). This sequence change replaces isoleucine, which is neutral and non-polar, with valine, which is neutral and non-polar, at codon 3480 of the FAT1 protein (p.Ile3480Val). In summary, the available evidence is currently insufficient to determine the role of this variant in disease. Therefore, it has been classified as a Variant of Uncertain Significance.

Dr. Peter K. Rogan Lab, Western University
No classification provided (evidence only). Condition: Lung cancer. Review status: no classification provided. Collection method: in vitro. Allele origin: not applicable. Functional consequence: retained intron. Not counted in ClinVar's aggregate classification.

NM_005245.4(FAT1):c.10438A>G (p.Ile3480Val)

Gene: FAT1 (FAT atypical cadherin 1; minus strand). Cytogenetic location: 4q35.2.
Variant type: single nucleotide variant.
Coding change: c.10438A>G on transcript NM_005245.4 (MANE Select); coding-DNA position 10438, A replaced by G.
Protein change: p.Ile3480Val; replaces isoleucine 3480 with valine.
Molecular consequence: missense variant.
Genome position (GRCh38, 1-based): chr4:186,604,487, T>C on the plus strand (A>G on the coding strand, the complement: FAT1 is on the minus strand). VCF-style: chr4-186604487-T-C. GRCh37 (hg19) VCF-style: chr4-187525641-T-C.
Other names: short protein forms I3480V.
Identifiers: ClinVar variation 2634646 (VCV002634646.6), dbSNP rs201423674, ClinGen allele CA3165359.